The following is an entry in ClinVar:

NM_138576.4(BCL11B):c.2577C>G (p.Cys859Trp)

Gene: BCL11B (BCL11 transcription factor B; minus strand). Cytogenetic location: 14q32.2.
Variant type: single nucleotide variant.
Coding change: c.2577C>G on transcript NM_138576.4 (MANE Select); coding-DNA position 2577, C replaced by G.
Protein change: p.Cys859Trp; replaces cysteine 859 with tryptophan.
Molecular consequence: missense variant.
Genome position (GRCh38, 1-based): chr14:99,174,259, G>C on the plus strand (C>G on the coding strand, the complement: BCL11B is on the minus strand). VCF-style: chr14-99174259-G-C. GRCh37 (hg19) VCF-style: chr14-99640596-G-C.
Other names: c.2574C>G, p.Cys858Trp (NM_001282237.2); c.2361C>G, p.Cys787Trp (NM_001282238.2); c.2364C>G, p.Cys788Trp (NM_022898.3); short protein forms C787W, C859W, C788W, C858W.
Identifiers: ClinVar variation 3990986 (VCV003990986.2).

ClinVar aggregate classification (germline): Likely pathogenic (1 of 4 stars; one submission).

Conditions:
Inborn genetic diseases. Identifiers: MedGen C0950123, MeSH D030342.

Submission:

Ambry Genetics
Classification: Likely pathogenic for Inborn genetic diseases. Last evaluated: 2025-09-24. Review status: criteria provided, single submitter. Criteria: Ambry Variant Classification Scheme 2023. Collection method: clinical testing. Allele origin: germline.
Comment: The c.2577C>G (p.C859W) alteration is located in exon 4 (coding exon 4) of the BCL11B gene. This alteration results from a C to G substitution at nucleotide position 2577, causing the cysteine (C) at amino acid position 859 to be replaced by a tryptophan (W). This variant was not reported in population-based cohorts in the Genome Aggregation Database (gnomAD). This amino acid position is well conserved in available vertebrate species. This missense alteration is located in a region that has a low rate of benign missense variation (Lek, 2016; Firth, 2009). This alteration is predicted to be deleterious by in silico analysis. Based on the available evidence, this alteration is classified as likely pathogenic.